The following is an entry in ClinVar:

ClinVar aggregate classification (germline): Likely benign (1 of 4 stars; one submission).

Submission:

GeneDx
Classification: Likely benign. Last evaluated: 2017-06-19. Review status: criteria provided, single submitter. Criteria: GeneDx Variant Classification (06012015). Collection method: clinical testing. Allele origin: germline. Affected: yes.
Comment: This variant is considered likely benign or benign based on one or more of the following criteria: it is a conservative change, it occurs at a poorly conserved position in the protein, it is predicted to be benign by multiple in silico algorithms, and/or has population frequency not consistent with disease.

NM_000093.5(COL5A1):c.1368A>G (p.Gly456=)

Gene: COL5A1 (collagen type V alpha 1 chain; plus strand). Cytogenetic location: 9q34.3.
Variant type: single nucleotide variant.
Coding change: c.1368A>G on transcript NM_000093.5 (MANE Select); coding-DNA position 1368, A replaced by G.
Protein change: p.Gly456=; no amino-acid change (glycine 456 retained).
Molecular consequence: synonymous variant.
Genome position (GRCh38, 1-based): chr9:134,732,106, A>G. VCF-style: chr9-134732106-A-G. GRCh37 (hg19) VCF-style: chr9-137623952-A-G.
Other names: c.1368A>G, p.Gly456= (NM_001278074.1).
Identifiers: ClinVar variation 518074 (VCV000518074.1), dbSNP rs1554788483, ClinGen allele CA467664372.